The following is an entry in ClinVar:

ClinVar aggregate classification (germline): Conflicting classifications of pathogenicity. Review status: criteria provided, conflicting classifications (1 of 4 stars). 4 submissions from 3 submitters: Uncertain significance (3); Likely benign (1). Last evaluated 2025-03-08.

Conditions:
Mucolipidosis type II. Also called: Mucolipidosis II Alpha/Beta; ML II ALPHA/BETA; Mucolipidosis 2; ML 2; Inclusion cell disease; Leroy Disease. Identifiers: Orphanet 576, MedGen C2673377, MONDO:0009650, OMIM 252500.
Inborn genetic diseases. Identifiers: MedGen C0950123, MeSH D030342.
Pseudo-Hurler polydystrophy. Also called: MUCOLIPIDOSIS IIIA; ML III; ML III ALPHA/BETA; Type III Mucolipidosis; Mucolipidosis III Alpha/Beta; ML IIIA. Identifiers: Orphanet 423461, Orphanet 577, MedGen C0033788, MONDO:0018931, OMIM 252600.

Allele frequency attached by ClinVar (database versions not stated): gnomAD exomes 0.00001; TOPMed below 0.00001.
gnomAD v4.1: 10 of 1,613,058 alleles (0.00062%); highest among the groups gnomAD compares: Middle Eastern, 0.12%; 1 homozygote.

Submissions (4):

Ambry Genetics
Classification: Likely benign for Inborn genetic diseases. Last evaluated: 2025-03-08. Review status: criteria provided, single submitter. Criteria: Ambry Variant Classification Scheme 2023. Collection method: clinical testing. Allele origin: germline.

Labcorp Genetics (formerly Invitae), Labcorp
Classification: Uncertain significance for Pseudo-Hurler polydystrophy; Mucolipidosis type II. Last evaluated: 2024-09-23. Review status: criteria provided, single submitter. Criteria: Invitae Variant Classification Sherloc (09022015). Collection method: clinical testing. Allele origin: germline.
Comment: This sequence change affects codon 1145 of the GNPTAB mRNA. It is a 'silent' change, meaning that it does not change the encoded amino acid sequence of the GNPTAB protein. It affects a nucleotide within the consensus splice site. This variant is present in population databases (no rsID available, gnomAD 0.0009%), including at least one homozygous and/or hemizygous individual. This variant has not been reported in the literature in individuals affected with GNPTAB-related conditions. ClinVar contains an entry for this variant (Variation ID: 882710). Algorithms developed to predict the effect of sequence changes on RNA splicing suggest that this variant is not likely to affect RNA splicing. In summary, the available evidence is currently insufficient to determine the role of this variant in disease. Therefore, it has been classified as a Variant of Uncertain Significance.

Illumina Laboratory Services, Illumina
Classification: Uncertain significance for Pseudo-Hurler polydystrophy. Last evaluated: 2017-04-27. Review status: criteria provided, single submitter. Criteria: ICSL Variant Classification Criteria 13 December 2019. Collection method: clinical testing. Allele origin: germline.

Illumina Laboratory Services, Illumina
Classification: Uncertain significance for Mucolipidosis type II. Last evaluated: 2017-04-27. Review status: criteria provided, single submitter. Criteria: ICSL Variant Classification Criteria 13 December 2019. Collection method: clinical testing. Allele origin: germline.

NM_024312.5(GNPTAB):c.3435G>A (p.Arg1145=)

Gene: GNPTAB (N-acetylglucosamine-1-phosphate transferase subunits alpha and beta; minus strand). Cytogenetic location: 12q23.2.
Variant type: single nucleotide variant.
Coding change: c.3435G>A on transcript NM_024312.5 (MANE Select); coding-DNA position 3435, G replaced by A.
Protein change: p.Arg1145=; no amino-acid change (arginine 1145 retained).
Molecular consequence: synonymous variant.
Genome position (GRCh38, 1-based): chr12:101,753,539, C>T on the plus strand (G>A on the coding strand, the complement: GNPTAB is on the minus strand). VCF-style: chr12-101753539-C-T. GRCh37 (hg19) VCF-style: chr12-102147317-C-T.
Identifiers: ClinVar variation 882710 (VCV000882710.7), dbSNP rs1451696033, ClinGen allele CA481317756.